The following is an entry in ClinVar:

ClinVar aggregate classification (germline): Uncertain significance (1 of 4 stars; one submission).

Conditions:
Inborn genetic diseases. Identifiers: MedGen C0950123, MeSH D030342.

Submission:

Ambry Genetics
Classification: Uncertain significance for Inborn genetic diseases. Last evaluated: 2025-03-12. Review status: criteria provided, single submitter. Criteria: Ambry Variant Classification Scheme 2023. Collection method: clinical testing. Allele origin: germline.
Comment: The p.P532H variant (also known as c.1595C>A), located in coding exon 9 of the RECQL4 gene, results from a C to A substitution at nucleotide position 1595. The proline at codon 532 is replaced by histidine, an amino acid with similar properties. This amino acid position is conserved. In addition, this alteration is predicted to be deleterious by in silico analysis. Based on the available evidence, the clinical significance of this variant remains unclear.

NM_004260.4(RECQL4):c.1595C>A (p.Pro532His)

Gene: RECQL4 (RecQ like helicase 4; minus strand). Cytogenetic location: 8q24.3.
Variant type: single nucleotide variant.
Coding change: c.1595C>A on transcript NM_004260.4 (MANE Select); coding-DNA position 1595, C replaced by A.
Protein change: p.Pro532His; replaces proline 532 with histidine.
Molecular consequence: missense variant. On other transcripts: non-coding transcript variant (3).
Genome position (GRCh38, 1-based): chr8:144,514,961, G>T on the plus strand (C>A on the coding strand, the complement: RECQL4 is on the minus strand). VCF-style: chr8-144514961-G-T. GRCh37 (hg19) VCF-style: chr8-145740345-G-T.
Other names: c.1499C>A, p.Pro500His (NM_001413017.1, NM_001413020.1); c.1595C>A, p.Pro532His (NM_001413018.1, NM_001413019.1, NM_001413033.1 and 1 more transcripts); c.524C>A, p.Pro175His (NM_001413021.1, NM_001413022.1, NM_001413023.1 and 7 more transcripts); c.1466C>A, p.Pro489His (NM_001413025.1); c.458C>A, p.Pro153His (NM_001413027.1, NM_001413030.1, NM_001413031.1 and 2 more transcripts); c.1244C>A, p.Pro415His (NM_001413029.1); c.1565C>A, p.Pro522His (NM_001413039.1); c.494C>A, p.Pro165His (NM_001413042.1); and 1 more; short protein forms P175H, P415H, P522H, P43H, P500H, P153H, P165H, P489H.
Identifiers: ClinVar variation 3788093 (VCV003788093.1).